The following is an entry in ClinVar:

ClinVar aggregate classification (germline): Pathogenic (1 of 4 stars; one submission).

Conditions:
Hereditary breast ovarian cancer syndrome. Also called: Hereditary breast and ovarian cancer syndrome; Hereditary breast and ovarian cancer syndrome (HBOC); Breast and ovarian cancer; Hereditary breast and/or ovarian cancer syndrome; BRCA1- and BRCA2-Associated Hereditary Breast and Ovarian Cancer; Hereditary breast and ovarian cancer. Identifiers: Orphanet 145, MedGen C0677776, MeSH D061325, MONDO:0003582. Disease mechanism: loss of function.

Submission:

Labcorp Genetics (formerly Invitae), Labcorp
Classification: Pathogenic for Hereditary breast ovarian cancer syndrome. Last evaluated: 2022-01-11. Review status: criteria provided, single submitter. Criteria: Invitae Variant Classification Sherloc (09022015). Collection method: clinical testing. Allele origin: germline.
Comment: For these reasons, this variant has been classified as Pathogenic. This variant has not been reported in the literature in individuals affected with BRCA1-related conditions. This variant is not present in population databases (gnomAD no frequency). This sequence change creates a premature translational stop signal (p.Lys937Serfs*2) in the BRCA1 gene. It is expected to result in an absent or disrupted protein product. Loss-of-function variants in BRCA1 are known to be pathogenic (PMID: 20104584).

Literature cited by the submitters: PubMed 20104584.

NM_007294.4(BRCA1):c.2808_2812del (p.Lys937fs)

Gene: BRCA1 (BRCA1 DNA repair associated; minus strand). Cytogenetic location: 17q21.31.
Variant type: Deletion.
Coding change: c.2808_2812del on transcript NM_007294.4 (MANE Select); coding-DNA positions 2808 to 2812, 5 bases deleted (TAAGC; older notation c.2808_2812delTAAGC).
Protein change: p.Lys937fs; shifts the reading frame from lysine 937.
Molecular consequence: frameshift variant. On other transcripts: intron variant (137).
Genome position (GRCh38, 1-based): chr17:43,092,719-43,092,723, GCTTA deleted on the plus strand (TAAGC on the coding strand, the reverse complement: BRCA1 is on the minus strand). VCF-style (leftmost placement, unchanged base first): chr17-43092718-GGCTTA-G. GRCh37 (hg19) VCF-style: chr17-41244735-GGCTTA-G.
Other names: c.2667_2671del, p.Lys890fs (NM_001407725.1, NM_001407726.1, NM_001407727.1 and 29 more transcripts); c.2808_2812del, p.Lys937fs (NM_001407581.1, NM_001407582.1, NM_001407583.1 and 30 more transcripts); c.2805_2809del, p.Lys936fs (NM_001407587.1, NM_001407590.1, NM_001407591.1 and 22 more transcripts); c.2595_2599del, p.Lys866fs (NM_001407571.1, NM_001407853.1, NM_001407894.1 and 9 more transcripts); c.2799_2803del, p.Lys934fs (NM_001407646.1, NM_001407647.1); c.2685_2689del, p.Lys896fs (NM_001407648.1, NM_001407664.1, NM_001407665.1 and 19 more transcripts); c.2682_2686del, p.Lys895fs (NM_001407649.1, NM_001407670.1, NM_001407671.1 and 11 more transcripts); c.2730_2734del, p.Lys911fs (NM_001407653.1, NM_001407654.1, NM_001407655.1 and 4 more transcripts); and 41 more; short protein forms K890fs, K937fs, K848fs, K866fs, K911fs, K936fs, K641fs, K826fs.
Identifiers: ClinVar variation 2078457 (VCV002078457.4), dbSNP rs2552183398, ClinGen allele CA1139771893.